The following is an entry in ClinVar:

ClinVar aggregate classification (germline): Uncertain significance (1 of 4 stars; one submission).

gnomAD v4.1: 3 of 1,612,780 alleles (0.00019%); highest among the groups gnomAD compares: Non-Finnish European, 0.00017%; no homozygotes.

Submission:

Labcorp Genetics (formerly Invitae), Labcorp
Classification: Uncertain significance. Last evaluated: 2025-06-23. Review status: criteria provided, single submitter. Criteria: Invitae Variant Classification Sherloc (09022015). Collection method: clinical testing. Allele origin: germline.
Comment: This sequence change replaces arginine, which is basic and polar, with threonine, which is neutral and polar, at codon 682 of the DLL1 protein (p.Arg682Thr). This variant is not present in population databases (gnomAD no frequency). This variant has not been reported in the literature in individuals affected with DLL1-related conditions. ClinVar contains an entry for this variant (Variation ID: 1978101). An algorithm developed to predict the effect of missense changes on protein structure and function (PolyPhen-2) suggests that this variant is likely to be tolerated. In summary, the available evidence is currently insufficient to determine the role of this variant in disease. Therefore, it has been classified as a Variant of Uncertain Significance.

NM_005618.4(DLL1):c.2045G>C (p.Arg682Thr)

Genes: DLL1 (delta like canonical Notch ligand 1; minus strand), LOC126859913 (P300/CBP strongly-dependent group 1 enhancer GRCh37_chr6:170591232-170592431; plus strand). Cytogenetic location: 6q27.
Variant type: single nucleotide variant.
Coding change: c.2045G>C on transcript NM_005618.4 (MANE Select); coding-DNA position 2045, G replaced by C.
Protein change: p.Arg682Thr; replaces arginine 682 with threonine.
Molecular consequence: missense variant.
Genome position (GRCh38, 1-based): chr6:170,283,234, C>G on the plus strand (G>C on the coding strand, the complement: DLL1 is on the minus strand). VCF-style: chr6-170283234-C-G. GRCh37 (hg19) VCF-style: chr6-170592322-C-G.
Other names: short protein forms R682T.
Identifiers: ClinVar variation 1978101 (VCV001978101.5), dbSNP rs1249992720, ClinGen allele CA366506012.